The following is an entry in ClinVar:

NM_003106.4(SOX2):c.146T>C (p.Met49Thr)

Genes: SOX2 (SRY-box transcription factor 2; plus strand), SOX2-OT (SOX2 overlapping transcript; plus strand), LOC108281177 (SOX2 5' regulatory region; plus strand). Cytogenetic location: 3q26.33.
Variant type: single nucleotide variant.
Coding change: c.146T>C on transcript NM_003106.4 (MANE Select); coding-DNA position 146, T replaced by C.
Protein change: p.Met49Thr; replaces methionine 49 with threonine.
Molecular consequence: missense variant.
Genome position (GRCh38, 1-based): chr3:181,712,506, T>C. VCF-style: chr3-181712506-T-C. GRCh37 (hg19) VCF-style: chr3-181430294-T-C.
Other names: short protein forms M49T.
Identifiers: ClinVar variation 3781022 (VCV003781022.2).

ClinVar aggregate classification (germline): Pathogenic (1 of 4 stars; one submission).

Submission:

GeneDx
Classification: Pathogenic. Last evaluated: 2026-01-27. Review status: criteria provided, single submitter. Criteria: GeneDx Variant Classification Process June 2021. Collection method: clinical testing. Allele origin: germline. Affected: yes.
Comment: Not observed at significant frequency in large population cohorts (gnomAD); In silico analysis supports that this missense variant has a deleterious effect on protein structure/function; Has not been previously published as pathogenic or benign to our knowledge